The following is an entry in ClinVar:

NM_000554.6(CRX):c.606C>T (p.Cys202=)

Gene: CRX (cone-rod homeobox; plus strand). Cytogenetic location: 19q13.33.
Variant type: single nucleotide variant.
Coding change: c.606C>T on transcript NM_000554.6 (MANE Select); coding-DNA position 606, C replaced by T.
Protein change: p.Cys202=; no amino-acid change (cysteine 202 retained).
Molecular consequence: synonymous variant.
Genome position (GRCh38, 1-based): chr19:47,839,673, C>T. VCF-style: chr19-47839673-C-T. GRCh37 (hg19) VCF-style: chr19-48342930-C-T.
Other names: c.606C>T (NM_000554.5).
Identifiers: ClinVar variation 892657 (VCV000892657.10), dbSNP rs764877352, ClinGen allele CA9544530.

ClinVar aggregate classification (germline): Conflicting classifications of pathogenicity. Review status: criteria provided, conflicting classifications (1 of 4 stars). 6 submissions from 4 submitters: Uncertain significance (3); Likely benign (3). Last evaluated 2025-09-16.

Conditions:
CRX-related disorder. Also called: CRX-related condition.
Leber congenital amaurosis 7 (LCA7). Identifiers: Orphanet 65, MedGen C3151192, MONDO:0013449, OMIM 613829.
Cone-rod dystrophy 2 (CORD2). Also called: CONE-ROD RETINAL DYSTROPHY; Cone-rod retinal dystrophy 2. Identifiers: Orphanet 1872, MedGen C3489532, MONDO:0007362, OMIM 120970.
Retinitis pigmentosa (RP). Identifiers: Orphanet 791, MedGen C0035334, MeSH D012174, MONDO:0019200, OMIM 268000. Inheritance: Autosomal dominant, autosomal recessive and X linked inheritance.

Allele frequency attached by ClinVar (database versions not stated): ExAC 0.00001; gnomAD exomes 0.00001 and 0.00003; gnomAD 0.00005; TOPMed 0.00005.
gnomAD v4.1: 46 of 1,613,680 alleles (0.0029%); highest among the groups gnomAD compares: Non-Finnish European, 0.0036%; no homozygotes.

Submissions (6):

Labcorp Genetics (formerly Invitae), Labcorp
Classification: Likely benign for Cone-rod dystrophy 2; Leber congenital amaurosis 7. Last evaluated: 2025-09-16. Review status: criteria provided, single submitter. Criteria: Invitae Variant Classification Sherloc (09022015). Collection method: clinical testing. Allele origin: germline.

PreventionGenetics, part of Exact Sciences
Classification: Likely benign for CRX-related condition. Last evaluated: 2025-03-20. Review status: criteria provided, single submitter. Criteria: ACMG Guidelines, 2015. Collection method: clinical testing. Allele origin: germline.
Comment: This variant is classified as likely benign based on ACMG/AMP sequence variant interpretation guidelines (Richards et al. 2015 PMID: 25741868, with internal and published modifications).

Blueprint Genetics
Classification: Likely benign. Last evaluated: 2022-09-05. Review status: criteria provided, single submitter. Criteria: ACMG Guidelines, 2015. Collection method: clinical testing. Allele origin: germline.

Illumina Laboratory Services, Illumina
Classification: Uncertain significance for Cone-rod dystrophy 2. Last evaluated: 2018-01-13. Review status: criteria provided, single submitter. Criteria: ICSL Variant Classification Criteria 13 December 2019. Collection method: clinical testing. Allele origin: germline.

Illumina Laboratory Services, Illumina
Classification: Uncertain significance for Leber congenital amaurosis 7. Last evaluated: 2018-01-13. Review status: criteria provided, single submitter. Criteria: ICSL Variant Classification Criteria 13 December 2019. Collection method: clinical testing. Allele origin: germline.

Illumina Laboratory Services, Illumina
Classification: Uncertain significance for Retinitis pigmentosa. Last evaluated: 2018-01-13. Review status: criteria provided, single submitter. Criteria: ICSL Variant Classification Criteria 13 December 2019. Collection method: clinical testing. Allele origin: germline.